The following is an entry in ClinVar:

NM_058246.4(DNAJB6):c.886G>A (p.Ala296Thr)

Gene: DNAJB6 (DnaJ heat shock protein family (Hsp40) member B6; plus strand). Cytogenetic location: 7q36.3.
Variant type: single nucleotide variant.
Coding change: c.886G>A on transcript NM_058246.4 (MANE Select); coding-DNA position 886, G replaced by A.
Protein change: p.Ala296Thr; replaces alanine 296 with threonine.
Molecular consequence: missense variant.
Genome position (GRCh38, 1-based): chr7:157,409,989, G>A. VCF-style: chr7-157409989-G-A. GRCh37 (hg19) VCF-style: chr7-157202683-G-A.
Other names: c.541G>A, p.Ala181Thr (NM_001363676.1); short protein forms A181T, A296T.
Identifiers: ClinVar variation 2789830 (VCV002789830.4), dbSNP rs1426182828, ClinGen allele CA370167530.

ClinVar aggregate classification (germline): Uncertain significance. Review status: criteria provided, multiple submitters, no conflicts (2 of 4 stars). 2 submissions from 2 submitters: Uncertain significance (2). Last evaluated 2024-04-30.

Conditions:
Autosomal dominant limb-girdle muscular dystrophy type 1D (DNAJB6) (LGMDD1). Also called: MUSCULAR DYSTROPHY, LIMB-GIRDLE, TYPE 1D; MUSCULAR DYSTROPHY, AUTOSOMAL DOMINANT, WITH RIMMED VACUOLES; Autosomal dominant limb-girdle muscular dystrophy type 1D; Muscular dystrophy, limb-girdle, autosomal dominant 1. Identifiers: Orphanet 34516, MedGen C4721885, MONDO:0021018, OMIM 603511.

Allele frequency attached by ClinVar (database versions not stated): TOPMed below 0.00001.
gnomAD v4.1: 4 of 1,531,230 alleles (0.00026%); highest among the groups gnomAD compares: Non-Finnish European, 0.00035%; no homozygotes.

Submissions (2):

Revvity Omics, Revvity
Classification: Uncertain significance for Autosomal dominant limb-girdle muscular dystrophy type 1D (DNAJB6). Last evaluated: 2024-04-30. Review status: criteria provided, single submitter. Criteria: ACMG Guidelines, 2015. Collection method: clinical testing. Allele origin: germline.

Labcorp Genetics (formerly Invitae), Labcorp
Classification: Uncertain significance for Autosomal dominant limb-girdle muscular dystrophy type 1D (DNAJB6). Last evaluated: 2023-10-05. Review status: criteria provided, single submitter. Criteria: Invitae Variant Classification Sherloc (09022015). Collection method: clinical testing. Allele origin: germline.
Comment: This sequence change replaces alanine, which is neutral and non-polar, with threonine, which is neutral and polar, at codon 296 of the DNAJB6 protein (p.Ala296Thr). The frequency data for this variant in the population databases is considered unreliable, as metrics indicate poor data quality at this position in the gnomAD database. This variant has not been reported in the literature in individuals affected with DNAJB6-related conditions. Advanced modeling of protein sequence and biophysical properties (such as structural, functional, and spatial information, amino acid conservation, physicochemical variation, residue mobility, and thermodynamic stability) performed at Invitae indicates that this missense variant is not expected to disrupt DNAJB6 protein function. In summary, the available evidence is currently insufficient to determine the role of this variant in disease. Therefore, it has been classified as a Variant of Uncertain Significance.